The following is an entry in ClinVar:

NM_001256447.2(BCAP31):c.118C>A (p.Leu40Met)

Gene: BCAP31 (B cell receptor associated protein 31; minus strand). Cytogenetic location: Xq28.
Variant type: single nucleotide variant.
Coding change: c.118C>A on transcript NM_001256447.2 (MANE Select); coding-DNA position 118, C replaced by A.
Protein change: p.Leu40Met; replaces leucine 40 with methionine.
Molecular consequence: missense variant.
Genome position (GRCh38, 1-based): chrX:153,720,947, G>T on the plus strand (C>A on the coding strand, the complement: BCAP31 is on the minus strand). VCF-style: chrX-153720947-G-T. GRCh37 (hg19) VCF-style: chrX-152986402-G-T.
Other names: c.118C>A, p.Leu40Met (NM_001139441.1, NM_005745.8); c.319C>A, p.Leu107Met (NM_001139457.2); short protein forms L40M, L107M.
Identifiers: ClinVar variation 2812250 (VCV002812250.3), dbSNP rs2091660900, ClinGen allele CA415095228.

ClinVar aggregate classification (germline): Uncertain significance (1 of 4 stars; one submission).

Allele frequency attached by ClinVar (database versions not stated): TOPMed 0.00001.

Submission:

Labcorp Genetics (formerly Invitae), Labcorp
Classification: Uncertain significance. Last evaluated: 2025-10-19. Review status: criteria provided, single submitter. Criteria: Invitae Variant Classification Sherloc (09022015). Collection method: clinical testing. Allele origin: germline.
Comment: This sequence change replaces leucine, which is neutral and non-polar, with methionine, which is neutral and non-polar, at codon 40 of the BCAP31 protein (p.Leu40Met). This variant is not present in population databases (gnomAD no frequency). This variant has not been reported in the literature in individuals affected with BCAP31-related conditions. ClinVar contains an entry for this variant (Variation ID: 2812250). An algorithm developed to predict the effect of missense changes on protein structure and function (PolyPhen-2) suggests that this variant is likely to be disruptive. In summary, the available evidence is currently insufficient to determine the role of this variant in disease. Therefore, it has been classified as a Variant of Uncertain Significance.